The following is an entry in ClinVar:

ClinVar aggregate classification (germline): Uncertain significance. Review status: criteria provided, multiple submitters, no conflicts (2 of 4 stars). 2 submissions from 2 submitters: Uncertain significance (2). Last evaluated 2024-05-15.

Allele frequency attached by ClinVar (database versions not stated): gnomAD 0.00001; TOPMed 0.00001.
gnomAD v4.1: 20 of 1,439,344 alleles (0.0014%); highest among the groups gnomAD compares: Non-Finnish European, 0.0017%; no homozygotes.

Submissions (2):

GeneDx
Classification: Uncertain significance. Last evaluated: 2024-05-15. Review status: criteria provided, single submitter. Criteria: GeneDx Variant Classification Process June 2021. Collection method: clinical testing. Allele origin: germline. Affected: yes.
Comment: Not observed at significant frequency in large population cohorts (gnomAD); In silico analysis indicates that this missense variant does not alter protein structure/function; Has not been previously published as pathogenic or benign to our knowledge

Labcorp Genetics (formerly Invitae), Labcorp
Classification: Uncertain significance. Last evaluated: 2022-06-15. Review status: criteria provided, single submitter. Criteria: Invitae Variant Classification Sherloc (09022015). Collection method: clinical testing. Allele origin: germline.
Comment: This sequence change replaces proline, which is neutral and non-polar, with serine, which is neutral and polar, at codon 16 of the AFG3L2 protein (p.Pro16Ser). This variant is present in population databases (no rsID available, gnomAD 0.002%). This variant has not been reported in the literature in individuals affected with AFG3L2-related conditions. Advanced modeling of protein sequence and biophysical properties (such as structural, functional, and spatial information, amino acid conservation, physicochemical variation, residue mobility, and thermodynamic stability) performed at Invitae indicates that this missense variant is not expected to disrupt AFG3L2 protein function. In summary, the available evidence is currently insufficient to determine the role of this variant in disease. Therefore, it has been classified as a Variant of Uncertain Significance.

NM_006796.3(AFG3L2):c.46C>T (p.Pro16Ser)

Gene: AFG3L2 (AFG3 like matrix AAA peptidase subunit 2; minus strand). Cytogenetic location: 18p11.21.
Variant type: single nucleotide variant.
Coding change: c.46C>T on transcript NM_006796.3 (MANE Select); coding-DNA position 46, C replaced by T.
Protein change: p.Pro16Ser; replaces proline 16 with serine.
Molecular consequence: missense variant.
Genome position (GRCh38, 1-based): chr18:12,377,037, G>A on the plus strand (C>T on the coding strand, the complement: AFG3L2 is on the minus strand). VCF-style: chr18-12377037-G-A. GRCh37 (hg19) VCF-style: chr18-12377036-G-A.
Other names: short protein forms P16S.
Identifiers: ClinVar variation 2418559 (VCV002418559.7), dbSNP rs1277914690, ClinGen allele CA401955579.
Genomic context (GRCh38, chr18:12,377,037, plus strand): 5'-GGCAGGGCTGCTCGCCCGGGCCCACGCCGCCAGGCACGAGGAGCTGCTGTAGGCCGCGGG[G>A]CCAGCAGCCGCCCCGGCCCCACAGCCGCAAACAGCGGTGCGCCATGGCCGCCGCCGTGGC-3'
Protein context (NP_006787.2, residues 6-26): LRLWGRGGCW[Pro16Ser]RGLQQLLVPG